The following is an entry in ClinVar:

NM_001012339.3(DNAJC21):c.96G>T (p.Pro32=)

Genes: DNAJC21 (DnaJ heat shock protein family (Hsp40) member C21; plus strand), LOC129993792 (ATAC-STARR-seq lymphoblastoid silent region 15969; plus strand). Cytogenetic location: 5p13.2.
Variant type: single nucleotide variant.
Coding change: c.96G>T on transcript NM_001012339.3 (MANE Select); coding-DNA position 96, G replaced by T.
Protein change: p.Pro32=; no amino-acid change (proline 32 retained).
Molecular consequence: synonymous variant.
Genome position (GRCh38, 1-based): chr5:34,929,915, G>T. VCF-style: chr5-34929915-G-T. GRCh37 (hg19) VCF-style: chr5-34930020-G-T.
Other names: c.96G>T, p.Pro32= (NM_001348420.2, NM_194283.4).
Identifiers: ClinVar variation 1949835 (VCV001949835.5), dbSNP rs1437040065, ClinGen allele CA443884363.

ClinVar aggregate classification (germline): Uncertain significance (1 of 4 stars; one submission).

Allele frequency attached by ClinVar (database versions not stated): gnomAD exomes below 0.00001.

Submission:

Labcorp Genetics (formerly Invitae), Labcorp
Classification: Uncertain significance. Last evaluated: 2022-03-18. Review status: criteria provided, single submitter. Criteria: Invitae Variant Classification Sherloc (09022015). Collection method: clinical testing. Allele origin: germline.
Comment: In summary, the available evidence is currently insufficient to determine the role of this variant in disease. Therefore, it has been classified as a Variant of Uncertain Significance. This sequence change affects codon 32 of the DNAJC21 mRNA. It is a 'silent' change, meaning that it does not change the encoded amino acid sequence of the DNAJC21 protein. It affects a nucleotide within the consensus splice site. This variant is not present in population databases (gnomAD no frequency). This variant has not been reported in the literature in individuals affected with DNAJC21-related conditions. Algorithms developed to predict the effect of sequence changes on RNA splicing suggest that this variant is not likely to affect RNA splicing.